The following is an entry in ClinVar:

NM_001844.5(COL2A1):c.2089C>T (p.Pro697Ser)

Gene: COL2A1 (collagen type II alpha 1 chain; minus strand). Cytogenetic location: 12q13.11.
Variant type: single nucleotide variant.
Coding change: c.2089C>T on transcript NM_001844.5 (MANE Select); coding-DNA position 2089, C replaced by T.
Protein change: p.Pro697Ser; replaces proline 697 with serine.
Molecular consequence: missense variant.
Genome position (GRCh38, 1-based): chr12:47,983,098, G>A on the plus strand (C>T on the coding strand, the complement: COL2A1 is on the minus strand). VCF-style: chr12-47983098-G-A. GRCh37 (hg19) VCF-style: chr12-48376881-G-A.
Other names: c.1882C>T, p.Pro628Ser (NM_033150.3); short protein forms P697S, P628S.
Identifiers: ClinVar variation 2844047 (VCV002844047.3), dbSNP rs1939187694, ClinGen allele CA384547420.

ClinVar aggregate classification (germline): Uncertain significance (1 of 4 stars; one submission).

Allele frequency attached by ClinVar (database versions not stated): gnomAD exomes below 0.00001.
gnomAD v4.1: 3 of 1,613,934 alleles (0.00019%); highest among the groups gnomAD compares: Non-Finnish European, 0.00025%; no homozygotes.

Submission:

Labcorp Genetics (formerly Invitae), Labcorp
Classification: Uncertain significance. Last evaluated: 2023-03-08. Review status: criteria provided, single submitter. Criteria: Invitae Variant Classification Sherloc (09022015). Collection method: clinical testing. Allele origin: germline.
Comment: In summary, the available evidence is currently insufficient to determine the role of this variant in disease. Therefore, it has been classified as a Variant of Uncertain Significance. Advanced modeling of protein sequence and biophysical properties (such as structural, functional, and spatial information, amino acid conservation, physicochemical variation, residue mobility, and thermodynamic stability) performed at Invitae indicates that this missense variant is not expected to disrupt COL2A1 protein function. This variant has not been reported in the literature in individuals affected with COL2A1-related conditions. This variant is not present in population databases (gnomAD no frequency). This sequence change replaces proline, which is neutral and non-polar, with serine, which is neutral and polar, at codon 697 of the COL2A1 protein (p.Pro697Ser).